The following is an entry in ClinVar:

NM_003924.4(PHOX2B):c.52A>G (p.Met18Val)

Genes: PHOX2B-AS1 (PHOX2B antisense RNA 1; plus strand), PHOX2B (paired like homeobox 2B; minus strand). Cytogenetic location: 4p13.
Variant type: single nucleotide variant.
Coding change: c.52A>G on transcript NM_003924.4 (MANE Select); coding-DNA position 52, A replaced by G.
Protein change: p.Met18Val; replaces methionine 18 with valine.
Molecular consequence: missense variant.
Genome position (GRCh38, 1-based): chr4:41,748,559, T>C on the plus strand (A>G on the coding strand, the complement: PHOX2B is on the minus strand). VCF-style: chr4-41748559-T-C. GRCh37 (hg19) VCF-style: chr4-41750576-T-C.
Other names: short protein forms M18V.
Identifiers: ClinVar variation 961110 (VCV000961110.12), dbSNP rs968453180, ClinGen allele CA95829716.

ClinVar aggregate classification (germline): Uncertain significance. Review status: criteria provided, multiple submitters, no conflicts (2 of 4 stars). 2 submissions from 2 submitters: Uncertain significance (2). Last evaluated 2022-02-07.

Conditions:
Hereditary cancer-predisposing syndrome. Also called: Tumor predisposition; Hereditary neoplastic syndrome; Neoplastic Syndromes, Hereditary; Hereditary Cancer Syndrome. Identifiers: Orphanet 140162, MedGen C0027672, MeSH D009386, MONDO:0015356.
Haddad syndrome (OHD). Also called: Ondine-Hirschsprung disease. Identifiers: Orphanet 99803, MedGen C1859049, MONDO:0020493.

Allele frequency attached by ClinVar (database versions not stated): gnomAD exomes below 0.00001; TOPMed below 0.00001; gnomAD 0.00001.

Submissions (2):

Ambry Genetics
Classification: Uncertain significance for Hereditary cancer-predisposing syndrome. Last evaluated: 2022-02-07. Review status: criteria provided, single submitter. Criteria: Ambry Variant Classification Scheme 2023. Collection method: clinical testing. Allele origin: germline.
Comment: The p.M18V variant (also known as c.52A>G), located in coding exon 1 of the PHOX2B gene, results from an A to G substitution at nucleotide position 52. The methionine at codon 18 is replaced by valine, an amino acid with highly similar properties. This amino acid position is highly conserved in available vertebrate species. In addition, the in silico prediction for this alteration is inconclusive. Since supporting evidence is limited at this time, the clinical significance of this alteration remains unclear.

Labcorp Genetics (formerly Invitae), Labcorp
Classification: Uncertain significance for Haddad syndrome. Last evaluated: 2021-06-29. Review status: criteria provided, single submitter. Criteria: Invitae Variant Classification Sherloc (09022015). Collection method: clinical testing. Allele origin: germline.
Comment: This sequence change replaces methionine with valine at codon 18 of the PHOX2B protein (p.Met18Val). The methionine residue is highly conserved and there is a small physicochemical difference between methionine and valine. This variant is not present in population databases (ExAC no frequency). This variant has not been reported in the literature in individuals with PHOX2B-related conditions. Algorithms developed to predict the effect of missense changes on protein structure and function are either unavailable or do not agree on the potential impact of this missense change (SIFT: "Deleterious"; PolyPhen-2: "Benign"; Align-GVGD: "Class C15"). In summary, the available evidence is currently insufficient to determine the role of this variant in disease. Therefore, it has been classified as a Variant of Uncertain Significance.